The following is an entry in ClinVar:

NM_003803.4(MYOM1):c.1426del (p.Asp476fs)

Gene: MYOM1 (myomesin 1; minus strand). Cytogenetic location: 18p11.31.
Variant type: Deletion.
Coding change: c.1426del on transcript NM_003803.4 (MANE Select); coding-DNA position 1426, one base deleted (G; older notation c.1426delG).
Protein change: p.Asp476fs; shifts the reading frame from aspartic acid 476.
Molecular consequence: frameshift variant.
Genome position (GRCh38, 1-based): chr18:3,164,353, C deleted on the plus strand (G on the coding strand, the reverse complement: MYOM1 is on the minus strand). VCF-style (leftmost placement, unchanged base first): chr18-3164352-TC-T. GRCh37 (hg19) VCF-style: chr18-3164350-TC-T.
Other names: c.1426del, p.Asp476fs (NM_019856.2); short protein forms D476fs.
Identifiers: ClinVar variation 1448304 (VCV001448304.6), dbSNP rs2144049001, ClinGen allele CA2573155076.

ClinVar aggregate classification (germline): Uncertain significance (1 of 4 stars; one submission).

Conditions:
Hypertrophic cardiomyopathy. Also called: HYPERTROPHIC MYOCARDIOPATHY. Identifiers: Orphanet 217569, MedGen C0007194, MeSH D002312, MONDO:0005045, HP:0001639.

Submission:

Labcorp Genetics (formerly Invitae), Labcorp
Classification: Uncertain significance for Hypertrophic cardiomyopathy. Last evaluated: 2021-07-20. Review status: criteria provided, single submitter. Criteria: Invitae Variant Classification Sherloc (09022015). Collection method: clinical testing. Allele origin: germline.
Comment: In summary, the available evidence is currently insufficient to determine the role of this variant in disease. Therefore, it has been classified as a Variant of Uncertain Significance. This variant has not been reported in the literature in individuals affected with MYOM1-related conditions. This variant is not present in population databases (ExAC no frequency). This sequence change creates a premature translational stop signal (p.Asp476Metfs*41) in the MYOM1 gene. It is expected to result in an absent or disrupted protein product. However, the current clinical and genetic evidence is not sufficient to establish whether loss-of-function variants in MYOM1 cause disease.